The following is an entry in ClinVar:

NM_001243133.2(NLRP3):c.578C>A (p.Thr193Lys)

Gene: NLRP3 (NLR family pyrin domain containing 3; plus strand). Cytogenetic location: 1q44.
Variant type: single nucleotide variant.
Coding change: c.578C>A on transcript NM_001243133.2 (MANE Select); coding-DNA position 578, C replaced by A.
Protein change: p.Thr193Lys; replaces threonine 193 with lysine.
Molecular consequence: missense variant.
Genome position (GRCh38, 1-based): chr1:247,424,027, C>A. VCF-style: chr1-247424027-C-A. GRCh37 (hg19) VCF-style: chr1-247587329-C-A.
Other names: c.578C>A, p.Thr193Lys (NM_001079821.3, NM_001127461.3, NM_001127462.3 and 1 more transcripts); c.584C>A, p.Thr195Lys (NM_004895.5); short protein forms T193K, T195K.
Identifiers: ClinVar variation 2186943 (VCV002186943.6), dbSNP rs76291085, ClinGen allele CA1494897.

ClinVar aggregate classification (germline): Conflicting classifications of pathogenicity. Review status: criteria provided, conflicting classifications (1 of 4 stars). 3 submissions from 3 submitters: Uncertain significance (1); Likely benign (2). Last evaluated 2025-02-05.

Conditions:
Chronic infantile neurological, cutaneous and articular syndrome (CINCA). Also called: CINCA syndrome; CHRONIC NEUROLOGIC CUTANEOUS AND ARTICULAR SYNDROME; Prieur Griscelli syndrome; CRYOPYRIN-ASSOCIATED PERIODIC SYNDROME 3. Identifiers: Orphanet 1451, MedGen C0409818, MONDO:0011776, OMIM 607115.
Keratitis fugax hereditaria. Also called: KERATOENDOTHELIITIS FUGAX HEREDITARIA. Identifiers: Orphanet 647815, MedGen C1835697, MONDO:0007849, OMIM 148200.
Familial amyloid nephropathy with urticaria AND deafness (MWS). Also called: UDA SYNDROME; URTICARIA-DEAFNESS-AMYLOIDOSIS SYNDROME; MUCKLE-WELLS SYNDROME; Urticaria, deafness and amyloidosis; CRYOPYRIN-ASSOCIATED PERIODIC SYNDROME 2. Identifiers: Orphanet 575, MedGen C0268390, MONDO:0008633, OMIM 191900.
Familial cold autoinflammatory syndrome 1 (FCAS1). Also called: Familial cold inflammatory syndrome 1; CRYOPYRIN-ASSOCIATED PERIODIC SYNDROME 1. Identifiers: Orphanet 47045, MedGen C4551895, MONDO:0007349, OMIM 120100.
Hearing loss, autosomal dominant 34, with or without inflammation. Also called: DEAFNESS, AUTOSOMAL DOMINANT 34, WITH OR WITHOUT INFLAMMATION. Identifiers: MedGen C4521680, MONDO:0033261, OMIM 617772.
NLRP3-related disorder. Also called: NLRP3-related condition; NLRP3-Related Disorders.
Cryopyrin associated periodic syndrome (CAPS). Identifiers: Orphanet 208650, MedGen C2316212, MONDO:0016168.

Allele frequency attached by ClinVar (database versions not stated): ESP Exome Variant Server 0.00015; 1000 Genomes Project 30x 0.00016; 1000 Genomes Project 0.00020.
gnomAD v4.1: 12 of 1,613,996 alleles (0.00074%); highest among the groups gnomAD compares: African/African-American, 0.013%; no homozygotes.

Submissions (3):

PreventionGenetics, part of Exact Sciences
Classification: Uncertain significance for NLRP3-related condition. Last evaluated: 2025-02-05. Review status: criteria provided, single submitter. Criteria: ACMG Guidelines, 2015. Collection method: clinical testing. Allele origin: germline.
Comment: The NLRP3 c.584C>A variant is predicted to result in the amino acid substitution p.Thr195Lys. This variant has been reported in a cohort study with autoinflammatory disease (Table S7, de Jesus et al. 2020. PubMed ID: 31874111). This variant is reported in 0.016% of alleles in individuals of African descent in gnomAD. At this time, the clinical significance of this variant is uncertain due to the absence of conclusive functional and genetic evidence.

Labcorp Genetics (formerly Invitae), Labcorp
Classification: Likely benign for Cryopyrin associated periodic syndrome. Last evaluated: 2025-01-20. Review status: criteria provided, single submitter. Criteria: Invitae Variant Classification Sherloc (09022015). Collection method: clinical testing. Allele origin: germline.

Fulgent Genetics
Classification: Likely benign for Familial cold autoinflammatory syndrome 1; Keratitis fugax hereditaria; Familial amyloid nephropathy with urticaria AND deafness; Chronic infantile neurological, cutaneous and articular syndrome; Hearing loss, autosomal dominant 34, with or without inflammation. Last evaluated: 2024-06-17. Review status: criteria provided, single submitter. Criteria: ACMG Guidelines, 2015. Collection method: clinical testing. Allele origin: germline.